The following is an entry in ClinVar:

ClinVar aggregate classification (germline): Likely benign. Review status: criteria provided, multiple submitters, no conflicts (2 of 4 stars). 7 submissions from 7 submitters: Likely benign (5). 2 of the submissions do not count toward it. Last evaluated 2026-02-03.

Conditions:
ELAC2-related disorder. Also called: ELAC2-related condition.
Combined oxidative phosphorylation defect type 17. Also called: Combined oxidative phosphorylation deficiency 17. Identifiers: Orphanet 369913, MedGen C3809526, MONDO:0014190, OMIM 615440.
Prostate cancer, hereditary, 2 (HPC2). Identifiers: Orphanet 1331, MedGen C3539120, MONDO:0013872, OMIM 614731.

Allele frequency attached by ClinVar (database versions not stated): ESP Exome Variant Server 0.00148; 1000 Genomes Project 0.00240; TOPMed 0.00255; 1000 Genomes Project 30x 0.00265.
gnomAD v4.1: 872 of 1,607,976 alleles (0.054%); highest among the groups gnomAD compares: African/African-American, 0.72%; 4 homozygotes.

Submissions (7):

Labcorp Genetics (formerly Invitae), Labcorp
Classification: Likely benign for Combined oxidative phosphorylation defect type 17. Last evaluated: 2026-02-03. Review status: criteria provided, single submitter. Criteria: Invitae Variant Classification Sherloc (09022015). Collection method: clinical testing. Allele origin: germline.

Blueprint Genetics
Classification: Likely benign. Last evaluated: 2024-11-22. Review status: criteria provided, single submitter. Criteria: ACMG Guidelines, 2015. Collection method: clinical testing. Allele origin: germline.

KCCC/NGS Laboratory, Kuwait Cancer Control Center
Classification: Likely benign for Prostate cancer, hereditary, 2. Last evaluated: 2023-07-07. Review status: criteria provided, single submitter. Criteria: ACMG Guidelines, 2015. Collection method: clinical testing. Allele origin: germline. Affected: yes.

GeneDx
Classification: Likely benign. Last evaluated: 2020-12-15. Review status: criteria provided, single submitter. Criteria: GeneDx Variant Classification Process June 2021. Collection method: clinical testing. Allele origin: germline. Affected: yes.

Breakthrough Genomics
Classification: Likely benign. Review status: criteria provided, single submitter. Criteria: ACMG Guidelines, 2015. Collection method: not provided. Allele origin: germline. Inheritance: Autosomal recessive inheritance. Affected: yes.

Mayo Clinic Laboratories, Mayo Clinic
Classification: Benign. Last evaluated: 2026-07-10. Review status: no assertion criteria provided. Collection method: clinical testing. Allele origin: unknown. Not counted in ClinVar's aggregate classification.
Comment: BS1, BS2, BP4_mod

PreventionGenetics, part of Exact Sciences
Classification: Benign for ELAC2-related condition. Last evaluated: 2019-09-25. Review status: no assertion criteria provided. Collection method: clinical testing. Allele origin: germline. Not counted in ClinVar's aggregate classification.
Comment: This variant is classified as benign based on ACMG/AMP sequence variant interpretation guidelines (Richards et al. 2015 PMID: 25741868, with internal and published modifications).

NM_018127.7(ELAC2):c.155C>T (p.Ser52Phe)

Gene: ELAC2 (elaC ribonuclease Z 2; minus strand). Cytogenetic location: 17p12.
Variant type: single nucleotide variant.
Coding change: c.155C>T on transcript NM_018127.7 (MANE Select); coding-DNA position 155, C replaced by T.
Protein change: p.Ser52Phe; replaces serine 52 with phenylalanine.
Molecular consequence: missense variant.
Genome position (GRCh38, 1-based): chr17:13,017,793, G>A on the plus strand (C>T on the coding strand, the complement: ELAC2 is on the minus strand). VCF-style: chr17-13017793-G-A. GRCh37 (hg19) VCF-style: chr17-12921110-G-A.
Other names: c.155C>T, p.Ser52Phe (NM_001165962.2, NM_173717.2); c.155C>T (NM_001165962.1); short protein forms S52F.
Identifiers: ClinVar variation 241272 (VCV000241272.23), dbSNP rs9895963, ClinGen allele CA8401824.